The following is an entry in ClinVar:

NM_000512.5(GALNS):c.704C>T (p.Thr235Met)

Gene: GALNS (galactosamine (N-acetyl)-6-sulfatase; minus strand). Cytogenetic location: 16q24.3.
Variant type: single nucleotide variant.
Coding change: c.704C>T on transcript NM_000512.5 (MANE Select); coding-DNA position 704, C replaced by T.
Protein change: p.Thr235Met; replaces threonine 235 with methionine.
Molecular consequence: missense variant.
Genome position (GRCh38, 1-based): chr16:88,835,779, G>A on the plus strand (C>T on the coding strand, the complement: GALNS is on the minus strand). VCF-style: chr16-88835779-G-A. GRCh37 (hg19) VCF-style: chr16-88902187-G-A.
Other names: c.149C>T, p.Thr50Met (NM_001323543.2); c.722C>T, p.Thr241Met (NM_001323544.2); short protein forms T241M, T50M, T235M.
Identifiers: ClinVar variation 2196668 (VCV002196668.1), dbSNP rs398123440, ClinGen allele CA8235022.

ClinVar aggregate classification (germline): Uncertain significance (1 of 4 stars; one submission).

Conditions:
Mucopolysaccharidosis, MPS-IV-A (MPS4A). Also called: Morquio syndrome A, mild; MORQUIO SYNDROME A; GALACTOSAMINE-6-SULFATASE DEFICIENCY; GALNS DEFICIENCY; MORQUIO A DISEASE; Mucopolysaccharidosis type IV A. Identifiers: Orphanet 309297, Orphanet 582, MedGen C0086651, MONDO:0009659, OMIM 253000.

Allele frequency attached by ClinVar (database versions not stated): gnomAD 0.00003.
gnomAD v4.1: 20 of 1,614,028 alleles (0.0012%); highest among the groups gnomAD compares: African/African-American, 0.0053%; no homozygotes.

Submission:

Labcorp Genetics (formerly Invitae), Labcorp
Classification: Uncertain significance for Mucopolysaccharidosis, MPS-IV-A. Last evaluated: 2022-03-10. Review status: criteria provided, single submitter. Criteria: Invitae Variant Classification Sherloc (09022015). Collection method: clinical testing. Allele origin: germline.
Comment: This sequence change replaces threonine, which is neutral and polar, with methionine, which is neutral and non-polar, at codon 235 of the GALNS protein (p.Thr235Met). The frequency data for this variant in the population databases is considered unreliable, as metrics indicate poor data quality at this position in the gnomAD database. This variant has not been reported in the literature in individuals affected with GALNS-related conditions. Advanced modeling of protein sequence and biophysical properties (such as structural, functional, and spatial information, amino acid conservation, physicochemical variation, residue mobility, and thermodynamic stability) performed at Invitae indicates that this missense variant is expected to disrupt GALNS protein function. In summary, the available evidence is currently insufficient to determine the role of this variant in disease. Therefore, it has been classified as a Variant of Uncertain Significance.